The following is an entry in ClinVar:

ClinVar aggregate classification (germline): Uncertain significance (1 of 4 stars; one submission).

Conditions:
Hereditary spastic paraplegia 50 (SPG50). Also called: Spastic paraplegia 50, autosomal recessive. Identifiers: Orphanet 280763, MedGen C2752008, MONDO:0013048, OMIM 612936.

Submission:

Laboratorio de Genetica e Diagnostico Molecular, Hospital Israelita Albert Einstein
Classification: Uncertain significance for Hereditary spastic paraplegia 50. Last evaluated: 2024-12-17. Review status: criteria provided, single submitter. Criteria: ACMG Guidelines, 2015. Collection method: clinical testing. Allele origin: germline. Affected: yes.
Comment: ACMG classification criteria: PM2 supporting, BP4 supporting

NM_004722.4(AP4M1):c.958G>A (p.Asp320Asn)

Gene: AP4M1 (adaptor related protein complex 4 subunit mu 1; plus strand). Cytogenetic location: 7q22.1.
Variant type: single nucleotide variant.
Coding change: c.958G>A on transcript NM_004722.4 (MANE Select); coding-DNA position 958, G replaced by A.
Protein change: p.Asp320Asn; replaces aspartic acid 320 with asparagine.
Molecular consequence: missense variant.
Genome position (GRCh38, 1-based): chr7:100,105,987, G>A. VCF-style: chr7-100105987-G-A. GRCh37 (hg19) VCF-style: chr7-99703610-G-A.
Other names: c.979G>A, p.Asp327Asn (NM_001363671.2); short protein forms D320N, D327N.
Identifiers: ClinVar variation 3901054 (VCV003901054.1).
Genomic context (GRCh38, chr7:100,105,987, plus strand): 5'-CCTGAGTCGTGGTGTTTTACCCTCTCATCCAGGCTCCAGGTTTATCTAAAGTTGCGATGT[G>A]ACCTGCTCTCAAAGAGGTAAGAGTGAGGCTGGCCTGGCTGAGTTCAGCTCTATGGGACGG-3'
Protein context (NP_004713.2, residues 310-330): RLQVYLKLRC[Asp320Asn]LLSKSQALNV